The following is an entry in ClinVar:

ClinVar aggregate classification (germline): Benign. Review status: criteria provided, multiple submitters, no conflicts (2 of 4 stars). 6 submissions from 6 submitters: Benign (5). 1 of the submissions does not count toward it. Last evaluated 2026-02-04.

Conditions:
Hypertrophic cardiomyopathy 2. Also called: TNNT2-Related Familial Hypertrophic Cardiomyopathy. Identifiers: MedGen C1861864, MONDO:0007266, OMIM 115195.
ANKRD1-related dilated cardiomyopathy. Identifiers: MedGen CN119551.

Submissions (7):

Labcorp Genetics (formerly Invitae), Labcorp
Classification: Benign for ANKRD1-related dilated cardiomyopathy. Last evaluated: 2026-02-04. Review status: criteria provided, single submitter. Criteria: Invitae Variant Classification Sherloc (09022015). Collection method: clinical testing. Allele origin: germline.

GeneDx
Classification: Benign. Last evaluated: 2018-06-10. Review status: criteria provided, single submitter. Criteria: GeneDx Variant Classification Process June 2021. Collection method: clinical testing. Allele origin: germline. Affected: yes.

Women's Health and Genetics/Laboratory Corporation of America, LabCorp
Classification: Benign. Last evaluated: 2017-07-31. Review status: criteria provided, single submitter. Criteria: LabCorp Variant Classification Summary - May 2015. Collection method: clinical testing. Allele origin: germline.
Comment: Variant summary: The ANKRD1 c.652-13delT variant involves the alteration of a non-conserved intronic nucleotide. Mutation taster predicts a benign outcome for this variant. 3/5 splice prediction tools predict no significant impact on normal splicing. This variant was found in 18376/112060 control chromosomes (1459 homozygotes) from ExAC at a frequency of 0.1639836, which is approximately 4770 times the estimated maximal expected allele frequency of a pathogenic ANKRD1 variant (0.0000344), thus it is a common benign polymorphism. This variant has also been reported as a polymorphism in the literature (Arimura_2009). In addition, multiple clinical diagnostic laboratories/reputable databases have classified this variant as benign/likely benign. Taken together, this variant is classified as benign.

Mayo Clinic Laboratories, Mayo Clinic
Classification: Benign. Last evaluated: 2015-06-12. Review status: criteria provided, single submitter. Criteria: ACMG Guidelines, 2015. Collection method: clinical testing. Allele origin: germline. Observed: 176 variant alleles.

PreventionGenetics, part of Exact Sciences
Classification: Benign. Review status: criteria provided, single submitter. Criteria: ACMG Guidelines, 2015. Collection method: clinical testing. Allele origin: germline.

Dr. Peter K. Rogan Lab, Western University
No classification provided (evidence only). Condition: Cholangiocarcinoma. Review status: no classification provided. Collection method: in vitro. Allele origin: not applicable. Functional consequence: retained intron. Not counted in ClinVar's aggregate classification.

Institute of Human Genetics, University of Wuerzburg
Classification: Benign for Hypertrophic cardiomyopathy 2. Review status: no assertion criteria provided. Collection method: clinical testing. Allele origin: unknown. Affected: yes. Observed: 1 variant allele. Not counted in ClinVar's aggregate classification.

Literature cited by the submitters: PubMed 19608031 (cited by Women's Health and Genetics/Laboratory Corporation of America, LabCorp).

NM_014391.3(ANKRD1):c.652-13del

Gene: ANKRD1 (ankyrin repeat domain 1; minus strand). Cytogenetic location: 10q23.31.
Variant type: Deletion.
Coding change: c.652-13del on transcript NM_014391.3 (MANE Select); 13 bases into the intron before coding-DNA position 652, one base deleted (T; older notation c.652-13delT).
Molecular consequence: intron variant.
Genome position (GRCh38, 1-based): chr10:90,915,893, A deleted on the plus strand (T on the coding strand, the reverse complement: ANKRD1 is on the minus strand); the first of 4 consecutive A bases (chr10:90,915,893-90,915,896); deleting any one gives the same sequence. VCF-style (leftmost placement, unchanged base first): chr10-90915892-GA-G. GRCh37 (hg19) VCF-style: chr10-92675649-GA-G.
Other names: NC_000010.10:g.92675653del; c.652-16del (NM_014391.3); c.652-13delT (NM_014391.2).
Identifiers: ClinVar variation 201661 (VCV000201661.17), dbSNP rs3839929, ClinGen allele CA335065.